The following is an entry in ClinVar:

NM_000548.5(TSC2):c.4852G>A (p.Val1618Ile)

Gene: TSC2 (TSC complex subunit 2; plus strand). Cytogenetic location: 16p13.3.
Variant type: single nucleotide variant.
Coding change: c.4852G>A on transcript NM_000548.5 (MANE Select); coding-DNA position 4852, G replaced by A.
Protein change: p.Val1618Ile; replaces valine 1618 with isoleucine.
Molecular consequence: missense variant.
Genome position (GRCh38, 1-based): chr16:2,086,734, G>A. VCF-style: chr16-2086734-G-A. GRCh37 (hg19) VCF-style: chr16-2136735-G-A.
Other names: c.4651G>A, p.Val1551Ile (NM_001077183.3); c.4783G>A, p.Val1595Ile (NM_001114382.3); c.4543G>A, p.Val1515Ile (NM_001318827.2); c.4507G>A, p.Val1503Ile (NM_001318829.2); c.4120G>A, p.Val1374Ile (NM_001318831.2); c.4684G>A, p.Val1562Ile (NM_001318832.2); c.4654G>A, p.Val1552Ile (NM_001363528.2); c.4720G>A, p.Val1574Ile (NM_001370404.1); and 1 more; short protein forms V1618I, V1374I, V1515I, V1551I, V1562I, V1575I, V1574I, V1595I.
Identifiers: ClinVar variation 238066 (VCV000238066.39), dbSNP rs377129517, ClinGen allele CA052943.
Genomic context (GRCh38, chr16:2,086,734, plus strand): 5'-AGGCACAGAGGGCCTCAGCACTGGCCCCACAAACCCATCCGGCCCTGCTCACCCTCAGCC[G>A]TCTTCCACATCGCCACCCTGATGCCCACCAAGGACGTGGACAAGCACCGCTGCGACAAGA-3'
Protein context (NP_000539.2, residues 1608-1628): YCWHDDIMQA[Val1618Ile]FHIATLMPTK

ClinVar aggregate classification (germline): Conflicting classifications of pathogenicity. Review status: criteria provided, conflicting classifications (1 of 4 stars). 8 submissions from 8 submitters: Uncertain significance (3); Benign (2); Likely benign (3). Last evaluated 2026-01-24.

Conditions:
Tuberous sclerosis syndrome (TSC). Also called: Tuberous Sclerosis Complex; Tuberous sclerosis. Identifiers: Orphanet 805, MedGen C0041341, MONDO:0001734.
Tuberous sclerosis 2 (TSC2). Identifiers: Orphanet 805, MedGen C1860707, MONDO:0013199, OMIM 613254.
Hereditary cancer-predisposing syndrome. Also called: Tumor predisposition; Hereditary Cancer Syndrome; Neoplastic Syndromes, Hereditary; Hereditary neoplastic syndrome. Identifiers: Orphanet 140162, MedGen C0027672, MeSH D009386, MONDO:0015356.

Allele frequency attached by ClinVar (database versions not stated): 1000 Genomes Project 0.00020; 1000 Genomes Project 30x 0.00031; gnomAD exomes 0.00002; TOPMed 0.00002; ExAC 0.00003; gnomAD 0.00004; ESP Exome Variant Server 0.00008.
gnomAD v4.1: 31 of 1,610,092 alleles (0.0019%); highest among the groups gnomAD compares: Middle Eastern, 0.022%; no homozygotes.

Submissions (8):

Labcorp Genetics (formerly Invitae), Labcorp
Classification: Benign for Tuberous sclerosis 2. Last evaluated: 2026-01-24. Review status: criteria provided, single submitter. Criteria: Invitae Variant Classification Sherloc (09022015). Collection method: clinical testing. Allele origin: germline.

Myriad Genetics, Inc.
Classification: Likely benign for Tuberous sclerosis 2. Last evaluated: 2024-08-23. Review status: criteria provided, single submitter. Criteria: Myriad Autosomal Dominant, Autosomal Recessive and X-Linked Classification Criteria (2023). Collection method: clinical testing. Allele origin: unknown.
Comment: This variant is considered likely benign. This variant has been observed at a population frequency that is significantly greater than expected given the associated disease prevalence and penetrance.

CeGaT Center for Human Genetics Tuebingen
Classification: Uncertain significance. Last evaluated: 2024-06-01. Review status: criteria provided, single submitter. Criteria: CeGaT Center For Human Genetics Tuebingen Variant Classification Criteria Version 2. Collection method: clinical testing. Allele origin: germline. Affected: yes. Observed: 1 variant allele.

Color Diagnostics, LLC DBA Color Health
Classification: Uncertain significance for Tuberous sclerosis syndrome. Last evaluated: 2024-02-14. Review status: criteria provided, single submitter. Criteria: ACMG Guidelines, 2015. Collection method: clinical testing. Allele origin: germline.
Comment: This missense variant replaces valine with isoleucine at codon 1618 of the TSC2 protein. Computational prediction is inconclusive regarding the impact of this variant on protein structure and function. To our knowledge, functional studies have not been reported for this variant. This variant has not been reported in individuals affected with TSC2-related disorders in the literature. This variant has been identified in 7/280214 chromosomes in the general population by the Genome Aggregation Database (gnomAD). The available evidence is insufficient to determine the role of this variant in disease conclusively. Therefore, this variant is classified as a Variant of Uncertain Significance.

All of Us Research Program, National Institutes of Health
Classification: Uncertain significance for Tuberous sclerosis syndrome. Last evaluated: 2023-12-13. Review status: criteria provided, single submitter. Criteria: ACMG Guidelines, 2015. Collection method: clinical testing. Allele origin: germline. Inheritance: Autosomal dominant inheritance. Observed: 4 variant alleles, 4 heterozygotes.
Comment: This missense variant replaces valine with isoleucine at codon 1618 of the TSC2 protein. Computational prediction is inconclusive regarding the impact of this variant on protein structure and function (internally defined REVEL score threshold 0.5 < inconclusive < 0.7, PMID: 27666373). To our knowledge, functional studies have not been reported for this variant. This variant has not been reported in individuals affected with TSC2-related disorders in the literature. This variant has been identified in 7/280214 chromosomes in the general population by the Genome Aggregation Database (gnomAD). The available evidence is insufficient to determine the role of this variant in disease conclusively. Therefore, this variant is classified as a Variant of Uncertain Significance.

This study involves interpretation of variants in research participants for the purpose of population health screening. Participant phenotype was not available at the time of variant classification. Additional details can be found in publication PMID: 35346344, PMCID: PMC8962531

Blueprint Genetics
Classification: Likely benign. Last evaluated: 2022-08-03. Review status: criteria provided, single submitter. Criteria: ACMG Guidelines, 2015. Collection method: clinical testing. Allele origin: germline.

Genome-Nilou Lab
Classification: Benign for Tuberous sclerosis 2. Last evaluated: 2021-11-07. Review status: criteria provided, single submitter. Criteria: ACMG Guidelines, 2015. Collection method: clinical testing. Allele origin: germline. Affected: no.

Ambry Genetics
Classification: Likely benign for Hereditary cancer-predisposing syndrome. Last evaluated: 2021-08-05. Review status: criteria provided, single submitter. Criteria: Ambry Variant Classification Scheme 2023. Collection method: clinical testing. Allele origin: germline.